The following is an entry in ClinVar:

ClinVar aggregate classification (germline): Uncertain significance (1 of 4 stars; one submission).

Conditions:
Emery-Dreifuss muscular dystrophy 5, autosomal dominant (EDMD5). Also called: EMERY-DREIFUSS MUSCULAR DYSTROPHY 5. Identifiers: Orphanet 261, MedGen C2751805, MONDO:0013072, OMIM 612999.

Allele frequency attached by ClinVar (database versions not stated): gnomAD exomes below 0.00001; gnomAD 0.00001.
gnomAD v4.1: 3 of 1,598,744 alleles (0.00019%); highest among the groups gnomAD compares: Admixed American, 0.0052%; no homozygotes.

Submission:

Labcorp Genetics (formerly Invitae), Labcorp
Classification: Uncertain significance for Emery-Dreifuss muscular dystrophy 5, autosomal dominant. Last evaluated: 2022-10-13. Review status: criteria provided, single submitter. Criteria: Invitae Variant Classification Sherloc (09022015). Collection method: clinical testing. Allele origin: germline.
Comment: In summary, the available evidence is currently insufficient to determine the role of this variant in disease. Therefore, it has been classified as a Variant of Uncertain Significance. Algorithms developed to predict the effect of missense changes on protein structure and function are either unavailable or do not agree on the potential impact of this missense change (SIFT: "Tolerated"; PolyPhen-2: "Probably Damaging"; Align-GVGD: "Class C0"). ClinVar contains an entry for this variant (Variation ID: 1368721). This variant has not been reported in the literature in individuals affected with SYNE2-related conditions. This variant is present in population databases (no rsID available, gnomAD 0.003%). This sequence change replaces glutamic acid, which is acidic and polar, with aspartic acid, which is acidic and polar, at codon 2143 of the SYNE2 protein (p.Glu2143Asp).

NM_182914.3(SYNE2):c.6429A>C (p.Glu2143Asp)

Gene: SYNE2 (spectrin repeat containing nuclear envelope protein 2; plus strand). Cytogenetic location: 14q23.2.
Variant type: single nucleotide variant.
Coding change: c.6429A>C on transcript NM_182914.3 (MANE Select); coding-DNA position 6429, A replaced by C.
Protein change: p.Glu2143Asp; replaces glutamic acid 2143 with aspartic acid.
Molecular consequence: missense variant.
Genome position (GRCh38, 1-based): chr14:64,027,508, A>C. VCF-style: chr14-64027508-A-C. GRCh37 (hg19) VCF-style: chr14-64494226-A-C.
Other names: c.6429A>C, p.Glu2143Asp (NM_015180.6); short protein forms E2143D.
Identifiers: ClinVar variation 1368721 (VCV001368721.6), dbSNP rs1344690423, ClinGen allele CA389948496.
Genomic context (GRCh38, chr14:64,027,508, plus strand): 5'-TATCATTTAATTTATAAAATATTTTGTGAAATTTAGCCATCAAGAAAAGCTTCTACTAGA[A>C]GGAGAGAAATATTTACAAAGTAAGGAGGATCTGAGATTAATGCTCATAGAACTAAAGAAG-3'
Protein context (NP_878918.2, residues 2133-2153): YLSHQEKLLL[Glu2143Asp]GEKYLQSKED